The following is an entry in ClinVar:

NM_012203.2(GRHPR):c.825_826del (p.Leu276fs)

Gene: GRHPR (glyoxylate and hydroxypyruvate reductase; plus strand). Cytogenetic location: 9p13.2.
Variant type: Deletion.
Coding change: c.825_826del on transcript NM_012203.2 (MANE Select); coding-DNA positions 825 to 826, 2 bases deleted (AC; older notation c.825_826delAC).
Protein change: p.Leu276fs; shifts the reading frame from leucine 276.
Molecular consequence: frameshift variant.
Genome position (GRCh38, 1-based): chr9:37,432,098-37,432,099, AC deleted; deleting any 2 consecutive bases within chr9:37,432,097-37,432,099 gives the same sequence; the c. name uses the placement nearest the transcript's 3' end. VCF-style (leftmost placement, unchanged base first): chr9-37432096-CCA-C. GRCh37 (hg19) VCF-style: chr9-37432093-CCA-C.
Other names: short protein forms L276fs.
Identifiers: ClinVar variation 2818967 (VCV002818967.3), dbSNP rs2489249374, ClinGen allele CA2739269250.

ClinVar aggregate classification (germline): Pathogenic (1 of 4 stars; one submission).

Submission:

Labcorp Genetics (formerly Invitae), Labcorp
Classification: Pathogenic. Last evaluated: 2022-12-06. Review status: criteria provided, single submitter. Criteria: Invitae Variant Classification Sherloc (09022015). Collection method: clinical testing. Allele origin: germline.
Comment: This sequence change creates a premature translational stop signal (p.Leu276Alafs*35) in the GRHPR gene. While this is not anticipated to result in nonsense mediated decay, it is expected to disrupt the last 53 amino acid(s) of the GRHPR protein. This variant is not present in population databases (gnomAD no frequency). This variant has not been reported in the literature in individuals affected with GRHPR-related conditions. This variant disrupts a region of the GRHPR protein in which other variant(s) (p.Met322Arg) have been determined to be pathogenic (PMID: 11030416; Invitae). This suggests that this is a clinically significant region of the protein, and that variants that disrupt it are likely to be disease-causing. For these reasons, this variant has been classified as Pathogenic.

Literature cited by the submitters: PubMed 11030416.